The following is an entry in ClinVar:

NM_002432.3(MNDA):c.1172T>C (p.Ile391Thr)

Gene: MNDA (myeloid cell nuclear differentiation antigen; plus strand). Cytogenetic location: 1q23.1.
Variant type: single nucleotide variant.
Coding change: c.1172T>C on transcript NM_002432.3 (MANE Select); coding-DNA position 1172, T replaced by C.
Protein change: p.Ile391Thr; replaces isoleucine 391 with threonine.
Molecular consequence: missense variant.
Genome position (GRCh38, 1-based): chr1:158,847,912, T>C. VCF-style: chr1-158847912-T-C. GRCh37 (hg19) VCF-style: chr1-158817702-T-C.
Other names: short protein forms I391T.
Identifiers: ClinVar variation 2563157 (VCV002563157.2), dbSNP rs2526092977, ClinGen allele CA343045148.

ClinVar aggregate classification (germline): Uncertain significance (1 of 4 stars; one submission).

Submission:

Ambry Genetics
Classification: Uncertain significance. Last evaluated: 2023-06-08. Review status: criteria provided, single submitter. Criteria: Ambry Variant Classification Scheme 2023. Collection method: clinical testing. Allele origin: germline.
Comment: The p.I391T variant (also known as c.1172T>C), located in coding exon 5 of the MNDA gene, results from a T to C substitution at nucleotide position 1172. The isoleucine at codon 391 is replaced by threonine, an amino acid with similar properties. This amino acid position is conserved. In addition, this alteration is predicted to be tolerated by in silico analysis. Since supporting evidence is limited at this time, the clinical significance of this alteration remains unclear.